The following is an entry in ClinVar:

ClinVar aggregate classification (germline): Uncertain significance (1 of 4 stars; one submission).

Allele frequency attached by ClinVar (database versions not stated): gnomAD 0.00001; TOPMed 0.00001.
gnomAD v4.1: 1 of 1,614,030 alleles (0.000062%); highest among the groups gnomAD compares: Admixed American, 0.0017%; no homozygotes.

Submission:

Labcorp Genetics (formerly Invitae), Labcorp
Classification: Uncertain significance. Last evaluated: 2024-10-25. Review status: criteria provided, single submitter. Criteria: Invitae Variant Classification Sherloc (09022015). Collection method: clinical testing. Allele origin: germline.
Comment: This sequence change replaces aspartic acid, which is acidic and polar, with tyrosine, which is neutral and polar, at codon 154 of the IFT43 protein (p.Asp154Tyr). This variant is not present in population databases (gnomAD no frequency). This variant has not been reported in the literature in individuals affected with IFT43-related conditions. ClinVar contains an entry for this variant (Variation ID: 955236). An algorithm developed to predict the effect of missense changes on protein structure and function (PolyPhen-2) suggests that this variant is likely to be disruptive. In summary, the available evidence is currently insufficient to determine the role of this variant in disease. Therefore, it has been classified as a Variant of Uncertain Significance.

NM_001102564.3(IFT43):c.445G>T (p.Asp149Tyr)

Gene: IFT43 (intraflagellar transport 43; plus strand). Cytogenetic location: 14q24.3.
Variant type: single nucleotide variant.
Coding change: c.445G>T on transcript NM_001102564.3 (MANE Select); coding-DNA position 445, G replaced by T.
Protein change: p.Asp149Tyr; replaces aspartic acid 149 with tyrosine.
Molecular consequence: missense variant. On other transcripts: non-coding transcript variant (2).
Genome position (GRCh38, 1-based): chr14:76,083,227, G>T. VCF-style: chr14-76083227-G-T. GRCh37 (hg19) VCF-style: chr14-76549570-G-T.
Other names: c.460G>T, p.Asp154Tyr (NM_052873.3); short protein forms D154Y, D149Y.
Identifiers: ClinVar variation 955236 (VCV000955236.9), dbSNP rs2037546248, ClinGen allele CA390474505.
Genomic context (GRCh38, chr14:76,083,227, plus strand): 5'-AAGAGTTGCCTGAAAGCCCTCAAGGTGCTCAGCCTGACCTTTTTTTGTTTGCATTCACAG[G>T]ATGGGGAGATCGACCTGAAACTCCTCACCAAAGTGCTCGCGCCGGAGCACGAAGTCCGGG-3'
Protein context (NP_001096034.1, residues 139-159): LMKYSAIQTL[Asp149Tyr]GEIDLKLLTK